The following is an entry in ClinVar:

NM_000169.3(GLA):c.746_747del (p.Asn249fs)

Genes: GLA (galactosidase alpha; minus strand), RPL36A-HNRNPH2 (RPL36A-HNRNPH2 readthrough; plus strand). Cytogenetic location: Xq22.1.
Variant type: Deletion.
Coding change: c.746_747del on transcript NM_000169.3 (MANE Select); coding-DNA positions 746 to 747, 2 bases deleted (AC; older notation c.746_747delAC).
Protein change: p.Asn249fs; shifts the reading frame from asparagine 249.
Molecular consequence: frameshift variant. On other transcripts: non-coding transcript variant (3), intron variant (2).
Genome position (GRCh38, 1-based): chrX:101,398,839-101,398,840, GT deleted on the plus strand (AC on the coding strand, the reverse complement: GLA is on the minus strand). VCF-style (leftmost placement, unchanged base first): chrX-101398838-GGT-G. GRCh37 (hg19) VCF-style: chrX-100653826-GGT-G.
Other names: c.869_870del, p.Asn290fs (NM_001406747.1); c.746_747del, p.Asn249fs (NM_001406748.1); c.300+3382_300+3383del (NM_001199973.2); c.177+7017_177+7018del (NM_001199974.2); short protein forms N249fs, N290fs.
Identifiers: ClinVar variation 4087000 (VCV004087000.2).

ClinVar aggregate classification (germline): Pathogenic (1 of 4 stars; one submission).

Conditions:
Fabry disease. Also called: ALPHA-GALACTOSIDASE A DEFICIENCY; ANDERSON-FABRY DISEASE; CERAMIDE TRIHEXOSIDASE DEFICIENCY; GLA DEFICIENCY; HEREDITARY DYSTOPIC LIPIDOSIS; Angiokeratoma corporis diffusum. Identifiers: Orphanet 324, MedGen C0002986, MONDO:0010526, OMIM 301500, HP:0001071. Disease mechanism: Fabry disease is due to inactivating mutations in the X-linked GLA gene resulting in deficiency of the enzyme Alpha Galactosidase-A., loss of function.

Submission:

Genomenon, Inc
Classification: Pathogenic for Fabry disease. Last evaluated: 2026-09-08. Review status: criteria provided, single submitter. Criteria: Genomenon Sequence Variant Interpretation Standards - Updated. Collection method: curation. Allele origin: germline. Affected: yes.
Comment: GLA p.Asn249ThrfsTer6 (c.746_747del) is a frameshift variant that is predicted to introduce a premature termination codon and result in a truncated or absent protein product. This variant has been observed in at least one proband with clinical features consistent with Fabry disease (PMID:18849176). The variant was found to segregate with disease in at least one affected family (PMID:18849176). It is absent or not present at a significant frequency in gnomAD. In conclusion, we classify GLA p.Asn249ThrfsTer6 (c.746_747del) as a pathogenic variant.

Literature cited by the submitters: PubMed 18849176.